The following is an entry in ClinVar:

ClinVar aggregate classification (germline): Uncertain significance. Review status: criteria provided, multiple submitters, no conflicts (2 of 4 stars). 2 submissions from 2 submitters: Uncertain significance (2). Last evaluated 2025-07-06.

Conditions:
Hereditary angioedema type 1 (HAE1). Identifiers: Orphanet 100050, Orphanet 100051, Orphanet 91378, MedGen C2717906, MONDO:0015053, OMIM 106100.
Plasminogen deficiency, type I. Also called: Hypoplasminogenemia; Type 1 plasminogen deficiency. Identifiers: Orphanet 722, MedGen C1968804, MONDO:0009009, OMIM 217090.
Angioedema, hereditary, 4. Identifiers: MedGen C5543503, MONDO:0025712, OMIM 619360.

Allele frequency attached by ClinVar (database versions not stated): ExAC 0.00006; gnomAD exomes 0.00007 and 0.00013; TOPMed 0.00008; gnomAD 0.00009; ESP Exome Variant Server 0.00031.
gnomAD v4.1: 194 of 1,609,794 alleles (0.012%); highest among the groups gnomAD compares: Non-Finnish European, 0.016%; no homozygotes.

Submissions (2):

Labcorp Genetics (formerly Invitae), Labcorp
Classification: Uncertain significance. Last evaluated: 2025-07-06. Review status: criteria provided, single submitter. Criteria: Invitae Variant Classification Sherloc (09022015). Collection method: clinical testing. Allele origin: germline.
Comment: This sequence change replaces proline, which is neutral and non-polar, with threonine, which is neutral and polar, at codon 169 of the PLG protein (p.Pro169Thr). This variant is present in population databases (rs143256245, gnomAD 0.01%). This variant has not been reported in the literature in individuals affected with PLG-related conditions. ClinVar contains an entry for this variant (Variation ID: 1434696). An algorithm developed to predict the effect of missense changes on protein structure and function (PolyPhen-2) suggests that this variant is likely to be disruptive. In summary, the available evidence is currently insufficient to determine the role of this variant in disease. Therefore, it has been classified as a Variant of Uncertain Significance.

Fulgent Genetics
Classification: Uncertain significance for Plasminogen deficiency, type I; Angioedema, hereditary, 4. Last evaluated: 2024-03-06. Review status: criteria provided, single submitter. Criteria: ACMG Guidelines, 2015. Collection method: clinical testing. Allele origin: germline.

NM_000301.5(PLG):c.505C>A (p.Pro169Thr)

Gene: PLG (plasminogen; plus strand). Cytogenetic location: 6q26.
Variant type: single nucleotide variant.
Coding change: c.505C>A on transcript NM_000301.5 (MANE Select); coding-DNA position 505, C replaced by A.
Protein change: p.Pro169Thr; replaces proline 169 with threonine.
Molecular consequence: missense variant.
Genome position (GRCh38, 1-based): chr6:160,713,083, C>A. VCF-style: chr6-160713083-C-A. GRCh37 (hg19) VCF-style: chr6-161134115-C-A.
Other names: c.505C>A (NM_000301.3); short protein forms P169T.
Identifiers: ClinVar variation 1434696 (VCV001434696.11), dbSNP rs143256245, ClinGen allele CA4087459.
Genomic context (GRCh38, chr6:160,713,083, plus strand): 5'-GAGAACTACTGCAGGAATCCAGACAACGATCCGCAGGGGCCCTGGTGCTATACTACTGAT[C>A]CAGAAAAGAGATATGACTACTGCGACATTCTTGAGTGTGAAGGTCAGGAGTGGTTCTAGA-3'
Protein context (NP_000292.1, residues 159-179): PQGPWCYTTD[Pro169Thr]EKRYDYCDIL